The following is an entry in ClinVar:

ClinVar aggregate classification (germline): Uncertain significance (1 of 4 stars; one submission).

Submission:

Labcorp Genetics (formerly Invitae), Labcorp
Classification: Uncertain significance. Last evaluated: 2026-01-20. Review status: criteria provided, single submitter. Criteria: Invitae Variant Classification Sherloc (09022015). Collection method: clinical testing. Allele origin: germline.
Comment: This variant, c.163_171del, results in the deletion of 3 amino acid(s) of the FLNB protein (p.Glu55_Leu57del), but otherwise preserves the integrity of the reading frame. This variant is not present in population databases (gnomAD no frequency). This variant has not been reported in the literature in individuals affected with FLNB-related conditions. ClinVar contains an entry for this variant (Variation ID: 2994547). Experimental studies and prediction algorithms are not available or were not evaluated, and the functional significance of this variant is currently unknown. In summary, the available evidence is currently insufficient to determine the role of this variant in disease. Therefore, it has been classified as a Variant of Uncertain Significance.

NM_001457.4(FLNB):c.163_171del (p.Glu55_Leu57del)

Gene: FLNB (filamin B; plus strand). Cytogenetic location: 3p14.3.
Variant type: Deletion.
Coding change: c.163_171del on transcript NM_001457.4 (MANE Select); coding-DNA positions 163 to 171, 9 bases deleted (GAGGTGCTC; older notation c.163_171delGAGGTGCTC).
Protein change: p.Glu55_Leu57del.
Molecular consequence: inframe deletion.
Genome position (GRCh38, 1-based): chr3:58,008,727-58,008,735, GAGGTGCTC deleted; deleting any 9 consecutive bases within chr3:58,008,722-58,008,735 gives the same sequence; the c. name uses the placement nearest the transcript's 3' end. VCF-style (leftmost placement, unchanged base first): chr3-58008721-CTGCTCGAGG-C. GRCh37 (hg19) VCF-style: chr3-57994448-CTGCTCGAGG-C.
Other names: c.163_171del, p.Glu55_Leu57del (NM_001164317.2, NM_001164318.2, NM_001164319.2).
Identifiers: ClinVar variation 2994547 (VCV002994547.3), dbSNP rs2097093907, ClinGen allele CA1367455429.